The following is an entry in ClinVar:

NM_001384900.1(SEMA3D):c.203T>G (p.Leu68Arg)

Gene: SEMA3D (semaphorin 3D; minus strand). Cytogenetic location: 7q21.11.
Variant type: single nucleotide variant.
Coding change: c.203T>G on transcript NM_001384900.1 (MANE Select); coding-DNA position 203, T replaced by G.
Protein change: p.Leu68Arg; replaces leucine 68 with arginine.
Molecular consequence: missense variant.
Genome position (GRCh38, 1-based): chr7:85,097,914, A>C on the plus strand (T>G on the coding strand, the complement: SEMA3D is on the minus strand). VCF-style: chr7-85097914-A-C. GRCh37 (hg19) VCF-style: chr7-84727230-A-C.
Other names: c.203T>G, p.Leu68Arg (NM_001384901.1, NM_001384902.1, NM_001384903.1 and 1 more transcripts); short protein forms L68R.
Identifiers: ClinVar variation 3159715 (VCV003159715.3), dbSNP rs748956930, ClinGen allele CA4323832.
Genomic context (GRCh38, chr7:85,097,914, plus strand): 5'-TCTTTGGCTCCCAAGAGCAGCCTGCCTCTTTCCTCATCTAAGAGAAGAGTTTGAAAATCC[A>C]GTCCTTCTGATGAACCCAAAAAGGGAATACAGCTATTTGAAAGCAGCAAGTCTATGGAAA-3'
Protein context (NP_001371829.1, residues 58-78): CIPFLGSSEG[Leu68Arg]DFQTLLLDEE

ClinVar aggregate classification (germline): Uncertain significance. Review status: criteria provided, multiple submitters, no conflicts (2 of 4 stars). 2 submissions from 2 submitters: Uncertain significance (2). Last evaluated 2026-06-27.

Conditions:
SEMA3D-related disorder. Also called: SEMA3D-related condition.

Allele frequency attached by ClinVar (database versions not stated): gnomAD exomes below 0.00001; TOPMed 0.00001; ExAC 0.00002; gnomAD 0.00002.
gnomAD v4.1: 10 of 1,609,398 alleles (0.00062%); highest among the groups gnomAD compares: South Asian, 0.0077%; no homozygotes.

Submissions (2):

PreventionGenetics, part of Exact Sciences
Classification: Uncertain significance for SEMA3D-related condition. Last evaluated: 2026-06-27. Review status: criteria provided, single submitter. Criteria: ACMG Guidelines, 2015. Collection method: clinical testing. Allele origin: germline.
Comment: The SEMA3D c.203T>G variant is predicted to result in the amino acid substitution p.Leu68Arg. To our knowledge, this variant has not been reported in the literature. This variant is reported in 0.0065% of alleles in individuals of South Asian descent in gnomAD. At this time, the clinical significance of this variant is uncertain due to the absence of conclusive functional and genetic evidence.

Ambry Genetics
Classification: Uncertain significance. Last evaluated: 2023-09-22. Review status: criteria provided, single submitter. Criteria: Ambry Variant Classification Scheme 2023. Collection method: clinical testing. Allele origin: germline.